The following is an entry in ClinVar:

NM_001013838.3(CARMIL2):c.1379G>A (p.Arg460His)

Gene: CARMIL2 (capping protein regulator and myosin 1 linker 2; plus strand). Cytogenetic location: 16q22.1.
Variant type: single nucleotide variant.
Coding change: c.1379G>A on transcript NM_001013838.3 (MANE Select); coding-DNA position 1379, G replaced by A.
Protein change: p.Arg460His; replaces arginine 460 with histidine.
Molecular consequence: missense variant.
Genome position (GRCh38, 1-based): chr16:67,648,442, G>A. VCF-style: chr16-67648442-G-A. GRCh37 (hg19) VCF-style: chr16-67682345-G-A.
Other names: c.1271G>A, p.Arg424His (NM_001317026.3); short protein forms R424H, R460H.
Identifiers: ClinVar variation 2090764 (VCV002090764.1), dbSNP rs1267008289, ClinGen allele CA396336539.
Genomic context (GRCh38, chr16:67,648,442, plus strand): 5'-TTCCCACTTCCCCCAGGAAGTCCCGCGCCGCGCCGGCCGCGCTGCAGCTCTTCCTCAGCC[G>A]CGCGCGGACGCTGCGGCACCTGGGCCTGGCGGGCTGCAAGCTGCCGCCCGACGCGCTCAG-3'
Protein context (NP_001013860.1, residues 450-470): APAALQLFLS[Arg460His]ARTLRHLGLA

ClinVar aggregate classification (germline): Uncertain significance (1 of 4 stars; one submission).

Submission:

Labcorp Genetics (formerly Invitae), Labcorp
Classification: Uncertain significance. Last evaluated: 2022-04-16. Review status: criteria provided, single submitter. Criteria: Invitae Variant Classification Sherloc (09022015). Collection method: clinical testing. Allele origin: germline.
Comment: This sequence change replaces arginine, which is basic and polar, with histidine, which is basic and polar, at codon 460 of the CARMIL2 protein (p.Arg460His). This variant is not present in population databases (gnomAD no frequency). This variant has not been reported in the literature in individuals affected with CARMIL2-related conditions. Algorithms developed to predict the effect of missense changes on protein structure and function output the following: SIFT: "Tolerated"; PolyPhen-2: "Benign"; Align-GVGD: "Class C0". The histidine amino acid residue is found in multiple mammalian species, which suggests that this missense change does not adversely affect protein function. In summary, the available evidence is currently insufficient to determine the role of this variant in disease. Therefore, it has been classified as a Variant of Uncertain Significance.